The following is an entry in ClinVar:

NM_018136.5(ASPM):c.2532C>T (p.Val844=)

Gene: ASPM (assembly factor for spindle microtubules; minus strand). Cytogenetic location: 1q31.3.
Variant type: single nucleotide variant.
Coding change: c.2532C>T on transcript NM_018136.5 (MANE Select); coding-DNA position 2532, C replaced by T.
Protein change: p.Val844=; no amino-acid change (valine 844 retained).
Molecular consequence: synonymous variant.
Genome position (GRCh38, 1-based): chr1:197,130,012, G>A on the plus strand (C>T on the coding strand, the complement: ASPM is on the minus strand). VCF-style: chr1-197130012-G-A. GRCh37 (hg19) VCF-style: chr1-197099142-G-A.
Other names: c.2532C>T, p.Val844= (NM_001206846.2).
Identifiers: ClinVar variation 294643 (VCV000294643.33), dbSNP rs141716537, ClinGen allele CA1310418.

ClinVar aggregate classification (germline): Conflicting classifications of pathogenicity. Review status: criteria provided, conflicting classifications (1 of 4 stars). 5 submissions from 5 submitters: Uncertain significance (3); Likely benign (2). Last evaluated 2026-05-19.

Conditions:
ASPM-related disorder. Also called: ASPM-related condition.
Microcephaly 5, primary, autosomal recessive (MCPH5). Also called: ASPM Primary Microcephaly. Identifiers: Orphanet 2512, MedGen C1837501, MONDO:0012106, OMIM 608716.

Allele frequency attached by ClinVar (database versions not stated): gnomAD 0.00005; ExAC 0.00006; TOPMed 0.00006; gnomAD exomes 0.00007 and 0.00012; ESP Exome Variant Server 0.00008.
gnomAD v4.1: 175 of 1,613,836 alleles (0.011%); highest among the groups gnomAD compares: Non-Finnish European, 0.014%; no homozygotes.

Submissions (5):

PreventionGenetics, part of Exact Sciences
Classification: Likely benign for ASPM-related condition. Last evaluated: 2026-05-19. Review status: criteria provided, single submitter. Criteria: ACMG Guidelines, 2015. Collection method: clinical testing. Allele origin: germline.
Comment: This variant is classified as likely benign based on ACMG/AMP sequence variant interpretation guidelines (Richards et al. 2015 PMID: 25741868, with internal and published modifications).

Labcorp Genetics (formerly Invitae), Labcorp
Classification: Likely benign. Last evaluated: 2026-01-13. Review status: criteria provided, single submitter. Criteria: Invitae Variant Classification Sherloc (09022015). Collection method: clinical testing. Allele origin: germline.

Genome-Nilou Lab
Classification: Uncertain significance for Microcephaly 5, primary, autosomal recessive. Last evaluated: 2023-04-11. Review status: criteria provided, single submitter. Criteria: ACMG Guidelines, 2015. Collection method: clinical testing. Allele origin: germline. Affected: no.

CeGaT Center for Human Genetics Tuebingen
Classification: Uncertain significance. Last evaluated: 2022-08-01. Review status: criteria provided, single submitter. Criteria: CeGaT Center For Human Genetics Tuebingen Variant Classification Criteria Version 2. Collection method: clinical testing. Allele origin: germline. Affected: yes. Observed: 1 variant allele.
Comment: ASPM: PM2, BP4

Illumina Laboratory Services, Illumina
Classification: Uncertain significance for Microcephaly 5, primary, autosomal recessive. Last evaluated: 2018-01-13. Review status: criteria provided, single submitter. Criteria: ICSL Variant Classification Criteria 13 December 2019. Collection method: clinical testing. Allele origin: germline.